The following is an entry in ClinVar:

NM_182919.4(TICAM1):c.538C>T (p.Arg180Cys)

Gene: TICAM1 (TIR domain containing adaptor molecule 1; minus strand). Cytogenetic location: 19p13.3.
Variant type: single nucleotide variant.
Coding change: c.538C>T on transcript NM_182919.4 (MANE Select); coding-DNA position 538, C replaced by T.
Protein change: p.Arg180Cys; replaces arginine 180 with cysteine.
Molecular consequence: missense variant. On other transcripts: intron variant (1).
Genome position (GRCh38, 1-based): chr19:4,817,840, G>A on the plus strand (C>T on the coding strand, the complement: TICAM1 is on the minus strand). VCF-style: chr19-4817840-G-A. GRCh37 (hg19) VCF-style: chr19-4817852-G-A.
Other names: c.496C>T, p.Arg166Cys (NM_001385678.1); c.403C>T, p.Arg135Cys (NM_001385679.1); c.-71-34C>T (NM_001385680.1); short protein forms R180C, R135C, R166C.
Identifiers: ClinVar variation 540508 (VCV000540508.11), dbSNP rs141394423, ClinGen allele CA9105333.

ClinVar aggregate classification (germline): Conflicting classifications of pathogenicity. Review status: criteria provided, conflicting classifications (1 of 4 stars). 4 submissions from 4 submitters: Uncertain significance (2); Likely benign (2). Last evaluated 2026-06-01.

Conditions:
Encephalopathy, acute, infection-induced (herpes-specific), susceptibility to, 6. Also called: Herpes simplex encephalitis, susceptibility to, 4. Identifiers: Orphanet 1930, MedGen C3553869, MONDO:0013921, OMIM 614850.

Allele frequency attached by ClinVar (database versions not stated): 1000 Genomes Project 30x 0.00047; 1000 Genomes Project 0.00040; gnomAD 0.00081 and 0.00086; ExAC 0.00091; gnomAD exomes 0.00093 and 0.00118; TOPMed 0.00114; ESP Exome Variant Server 0.00192.
gnomAD v4.1: 1,840 of 1,610,864 alleles (0.11%); highest among the groups gnomAD compares: Non-Finnish European, 0.14%; 4 homozygotes.

Submissions (4):

CeGaT Center for Human Genetics Tuebingen
Classification: Likely benign. Last evaluated: 2026-06-01. Review status: criteria provided, single submitter. Criteria: CeGaT Center For Human Genetics Tuebingen Variant Classification Criteria Version 2. Collection method: clinical testing. Allele origin: germline. Affected: yes. Observed: 1 variant allele.
Comment: TICAM1: BP4, BS2

Blueprint Genetics
Classification: Likely benign. Last evaluated: 2024-11-14. Review status: criteria provided, single submitter. Criteria: ACMG Guidelines, 2015. Collection method: clinical testing. Allele origin: germline.

Labcorp Genetics (formerly Invitae), Labcorp
Classification: Uncertain significance for Encephalopathy, acute, infection-induced (herpes-specific), susceptibility to, 6. Last evaluated: 2022-10-25. Review status: criteria provided, single submitter. Criteria: Invitae Variant Classification Sherloc (09022015). Collection method: clinical testing. Allele origin: germline.
Comment: This sequence change replaces arginine, which is basic and polar, with cysteine, which is neutral and slightly polar, at codon 180 of the TICAM1 protein (p.Arg180Cys). This variant is present in population databases (rs141394423, gnomAD 0.1%), and has an allele count higher than expected for a pathogenic variant. This variant has not been reported in the literature in individuals affected with TICAM1-related conditions. ClinVar contains an entry for this variant (Variation ID: 540508). Algorithms developed to predict the effect of missense changes on protein structure and function output the following: SIFT: "Deleterious"; PolyPhen-2: "Benign"; Align-GVGD: "Class C0". The cysteine amino acid residue is found in multiple mammalian species, which suggests that this missense change does not adversely affect protein function. In summary, the available evidence is currently insufficient to determine the role of this variant in disease. Therefore, it has been classified as a Variant of Uncertain Significance.

Breakthrough Genomics
Classification: Uncertain significance. Review status: criteria provided, single submitter. Criteria: ACMG Guidelines, 2015. Collection method: not provided. Allele origin: germline. Inheritance: Autosomal recessive inheritance. Affected: yes.